The following is an entry in ClinVar:

ClinVar aggregate classification (germline): Uncertain significance (1 of 4 stars; one submission).

Conditions:
Congenital disorder of deglycosylation (CDDG). Identifiers: MedGen C3808991, MONDO:0031376.

gnomAD v4.1: 1 of 1,601,584 alleles (0.000062%); no homozygotes.

Submission:

Labcorp Genetics (formerly Invitae), Labcorp
Classification: Uncertain significance for Congenital disorder of deglycosylation. Last evaluated: 2023-10-03. Review status: criteria provided, single submitter. Criteria: Invitae Variant Classification Sherloc (09022015). Collection method: clinical testing. Allele origin: germline.
Comment: This sequence change replaces asparagine, which is neutral and polar, with lysine, which is basic and polar, at codon 297 of the NGLY1 protein (p.Asn297Lys). This variant is not present in population databases (gnomAD no frequency). This variant has not been reported in the literature in individuals affected with NGLY1-related conditions. ClinVar contains an entry for this variant (Variation ID: 2100256). Advanced modeling of protein sequence and biophysical properties (such as structural, functional, and spatial information, amino acid conservation, physicochemical variation, residue mobility, and thermodynamic stability) performed at Invitae indicates that this missense variant is not expected to disrupt NGLY1 protein function. In summary, the available evidence is currently insufficient to determine the role of this variant in disease. Therefore, it has been classified as a Variant of Uncertain Significance.

NM_018297.4(NGLY1):c.891C>A (p.Asn297Lys)

Gene: NGLY1 (N-glycanase 1; minus strand). Cytogenetic location: 3p24.2.
Variant type: single nucleotide variant.
Coding change: c.891C>A on transcript NM_018297.4 (MANE Select); coding-DNA position 891, C replaced by A.
Protein change: p.Asn297Lys; replaces asparagine 297 with lysine.
Molecular consequence: missense variant.
Genome position (GRCh38, 1-based): chr3:25,737,446, G>T on the plus strand (C>A on the coding strand, the complement: NGLY1 is on the minus strand). VCF-style: chr3-25737446-G-T. GRCh37 (hg19) VCF-style: chr3-25778937-G-T.
Other names: c.891C>A, p.Asn297Lys (NM_001145293.2, NM_001145295.2); c.765C>A, p.Asn255Lys (NM_001145294.2); short protein forms N297K, N255K.
Identifiers: ClinVar variation 2100256 (VCV002100256.2), dbSNP rs2470543690, ClinGen allele CA351902252.